The following is an entry in ClinVar:

ClinVar aggregate classification (germline): Uncertain significance. Review status: criteria provided, multiple submitters, no conflicts (2 of 4 stars). 2 submissions from 2 submitters: Uncertain significance (2). Last evaluated 2025-11-18.

Conditions:
Hereditary cancer-predisposing syndrome. Also called: Neoplastic Syndromes, Hereditary; Tumor predisposition; Hereditary Cancer Syndrome; Hereditary neoplastic syndrome. Identifiers: Orphanet 140162, MedGen C0027672, MeSH D009386, MONDO:0015356.
Ataxia-telangiectasia syndrome (AT). Also called: Ataxia telangiectasia (A-T); ATAXIA-TELANGIECTASIA, COMPLEMENTATION GROUP A; ATAXIA-TELANGIECTASIA, FRESNO VARIANT; Ataxia-telangiectasia; Ataxia-telangiectasia, complementation group E; LOUIS-BAR SYNDROME. Identifiers: Orphanet 100, MedGen C0004135, MONDO:0008840, OMIM 208900.

Allele frequency attached by ClinVar (database versions not stated): TOPMed below 0.00001.

Submissions (2):

Ambry Genetics
Classification: Uncertain significance for Hereditary cancer-predisposing syndrome. Last evaluated: 2025-11-18. Review status: criteria provided, single submitter. Criteria: Ambry Variant Classification Scheme 2023. Collection method: clinical testing. Allele origin: germline.
Comment: The p.P2775S variant (also known as c.8323C>T), located in coding exon 56 of the ATM gene, results from a C to T substitution at nucleotide position 8323. The proline at codon 2775 is replaced by serine, an amino acid with similar properties. This amino acid position is conserved. In addition, this alteration is predicted to be deleterious by in silico analysis. Based on the available evidence, the clinical significance of this variant remains unclear.

Labcorp Genetics (formerly Invitae), Labcorp
Classification: Uncertain significance for Ataxia-telangiectasia syndrome. Last evaluated: 2024-01-05. Review status: criteria provided, single submitter. Criteria: Invitae Variant Classification Sherloc (09022015). Collection method: clinical testing. Allele origin: germline.
Comment: This sequence change replaces proline, which is neutral and non-polar, with serine, which is neutral and polar, at codon 2775 of the ATM protein (p.Pro2775Ser). This variant is not present in population databases (gnomAD no frequency). This variant has not been reported in the literature in individuals affected with ATM-related conditions. ClinVar contains an entry for this variant (Variation ID: 1042744). An algorithm developed to predict the effect of missense changes on protein structure and function (PolyPhen-2) suggests that this variant is likely to be disruptive. In summary, the available evidence is currently insufficient to determine the role of this variant in disease. Therefore, it has been classified as a Variant of Uncertain Significance.

NM_000051.4(ATM):c.8323C>T (p.Pro2775Ser)

Genes: ATM (ATM serine/threonine kinase; plus strand), C11orf65 (chromosome 11 open reading frame 65; minus strand). Cytogenetic location: 11q22.3.
Variant type: single nucleotide variant.
Coding change: c.8323C>T on transcript NM_000051.4 (MANE Select); coding-DNA position 8323, C replaced by T.
Protein change: p.Pro2775Ser; replaces proline 2775 with serine.
Molecular consequence: missense variant. On other transcripts: intron variant (2).
Genome position (GRCh38, 1-based): chr11:108,343,276, C>T. VCF-style: chr11-108343276-C-T. GRCh37 (hg19) VCF-style: chr11-108214003-C-T.
Other names: c.8323C>T, p.Pro2775Ser (NM_001351834.2); c.641-34205G>A (NM_001330368.2); c.695-7984G>A (NM_001351110.2); short protein forms P2775S.
Identifiers: ClinVar variation 1042744 (VCV001042744.47), dbSNP rs2087822375, ClinGen allele CA382516396.
Genomic context (GRCh38, chr11:108,343,276, plus strand): 5'-CTCCAGGTGGTTCCCCTCTCTCAGCGAAGTGGTGTTCTTGAATGGTGCACAGGAACTGTC[C>T]CCATTGGTGAATTTCTTGTTAACAATGAAGATGGTGCTCATAAAAGATACAGGCCAAATG-3'
Protein context (NP_000042.3, residues 2765-2785): GVLEWCTGTV[Pro2775Ser]IGEFLVNNED